The following is an entry in ClinVar:

ClinVar aggregate classification (germline): Pathogenic (1 of 4 stars; one submission).

Conditions:
Familial thoracic aortic aneurysm and aortic dissection (TAAD). Also called: Thoracic aortic aneurysms and dissections. Identifiers: Orphanet 91387, MedGen C4707243, MONDO:0019625.
Marfan syndrome (MFS). Also called: Marfan syndrome type 1; Marfan syndrome, classic; Marfan's syndrome; FBN1-Related Marfan Syndrome; MARFAN SYNDROME, TYPE I. Identifiers: Orphanet 284963, Orphanet 558, MedGen C0024796, MONDO:0007947, OMIM 154700.

Submission:

Labcorp Genetics (formerly Invitae), Labcorp
Classification: Pathogenic for Marfan syndrome; Familial thoracic aortic aneurysm and aortic dissection. Last evaluated: 2024-04-10. Review status: criteria provided, single submitter. Criteria: Invitae Variant Classification Sherloc (09022015). Collection method: clinical testing. Allele origin: germline.
Comment: This sequence change creates a premature translational stop signal (p.Ile953Asnfs*39) in the FBN1 gene. It is expected to result in an absent or disrupted protein product. Loss-of-function variants in FBN1 are known to be pathogenic (PMID: 17657824, 19293843). This variant is not present in population databases (gnomAD no frequency). This variant has not been reported in the literature in individuals affected with FBN1-related conditions. ClinVar contains an entry for this variant (Variation ID: 527157). For these reasons, this variant has been classified as Pathogenic.

Literature cited by the submitters: PubMed 17657824; PubMed 19293843.

NM_000138.5(FBN1):c.2857dup (p.Ile953fs)

Gene: FBN1 (fibrillin 1; minus strand). Cytogenetic location: 15q21.1.
Variant type: Duplication.
Coding change: c.2857dup on transcript NM_000138.5 (MANE Select); coding-DNA position 2857, one base duplicated (A; older notation c.2857dupA).
Protein change: p.Ile953fs; shifts the reading frame from isoleucine 953.
Molecular consequence: frameshift variant.
Genome position (GRCh38, 1-based): chr15:48,490,076, T duplicated on the plus strand (A on the coding strand, the reverse complement: FBN1 is on the minus strand). VCF-style (leftmost placement, unchanged base first): chr15-48490075-A-AT. GRCh37 (hg19) VCF-style: chr15-48782272-A-AT.
Other names: c.2857dupA (NM_000138.4); short protein forms I953fs.
Identifiers: ClinVar variation 527157 (VCV000527157.8), dbSNP rs1555398837, ClinGen allele CA658798375.
Genomic context (GRCh38, chr15:48,490,075, plus strand): 5'-CCAGCAATAGGCAGGGTGCACTCCTCGTCCTCGTACCTCAGGAAGCAGGTTTCCAGGCGG[A>AT]TATCTGTCAGAGGGAATCAAGGGAGGTTAAATAGAGCCACACGGCTTCCACTGCCCCAAA-3'